The following is an entry in ClinVar:

ClinVar aggregate classification (germline): Uncertain significance (1 of 4 stars; one submission).

Submission:

Geisinger Autism and Developmental Medicine Institute, Geisinger Health System
Classification: Uncertain significance. Last evaluated: 2017-07-05. Review status: criteria provided, single submitter. Criteria: ACMG Guidelines, 2015. Collection method: provider interpretation, clinical testing. Allele origin: de novo. Observed: 1 variant allele.
Comment: This variant has not been seen in gnomAD, though a missense variant occurs at an overall 0.14% frequency at the same codon. This is a gene of uncertain significance; no known human disorders have been clearly associated with this gene.

Literature cited by the submitters: PubMed 24480542.

NM_017619.4(RNPC3):c.177del (p.Asp60fs)

Gene: RNPC3 (RNA binding region (RNP1, RRM) containing 3; plus strand). Cytogenetic location: 1p21.1.
Variant type: Deletion.
Coding change: c.177del on transcript NM_017619.4 (MANE Select); coding-DNA position 177, one base deleted (A; older notation c.177delA).
Protein change: p.Asp60fs; shifts the reading frame from aspartic acid 60.
Molecular consequence: frameshift variant.
Genome position (GRCh38, 1-based): chr1:103,526,247, A deleted. VCF-style (leftmost placement, unchanged base first): chr1-103526246-CA-C. GRCh37 (hg19) VCF-style: chr1-104068868-CA-C.
Other names: short protein forms D60fs.
Identifiers: ClinVar variation 560267 (VCV000560267.3), dbSNP rs1557754254, ClinGen allele CA658821126.